The following is an entry in ClinVar:

ClinVar aggregate classification (germline): Uncertain significance. Review status: criteria provided, multiple submitters, no conflicts (2 of 4 stars). 2 submissions from 2 submitters: Uncertain significance (2). Last evaluated 2023-10-16.

Conditions:
Microcephaly, normal intelligence and immunodeficiency (NBS). Also called: Nijmegen breakage syndrome; IMMUNODEFICIENCY, MICROCEPHALY, AND CHROMOSOMAL INSTABILITY; Immunodeficiency, microcephaly with normal intelligence; Microcephaly with normal intelligence immunodeficiency and lymphoreticular malignancies; Nonsyndromal microcephaly autosomal recessive with normal intelligence; Seemanova syndrome 2. Identifiers: Orphanet 647, MedGen C0398791, MONDO:0009623, OMIM 251260.

gnomAD v4.1: 1 of 1,609,328 alleles (0.000062%); highest among the groups gnomAD compares: Admixed American, 0.0017%; no homozygotes.

Submissions (2):

GeneDx
Classification: Uncertain significance. Last evaluated: 2023-10-16. Review status: criteria provided, single submitter. Criteria: GeneDx Variant Classification Process June 2021. Collection method: clinical testing. Allele origin: germline. Affected: yes.
Comment: Not observed at significant frequency in large population cohorts (gnomAD); In silico analysis supports that this missense variant has a deleterious effect on protein structure/function; Has not been previously published as pathogenic or benign to our knowledge

Labcorp Genetics (formerly Invitae), Labcorp
Classification: Uncertain significance for Microcephaly, normal intelligence and immunodeficiency. Last evaluated: 2022-03-05. Review status: criteria provided, single submitter. Criteria: Invitae Variant Classification Sherloc (09022015). Collection method: clinical testing. Allele origin: germline.
Comment: This sequence change replaces proline, which is neutral and non-polar, with leucine, which is neutral and non-polar, at codon 700 of the NBN protein (p.Pro700Leu). This variant is not present in population databases (gnomAD no frequency). This variant has not been reported in the literature in individuals affected with NBN-related conditions. ClinVar contains an entry for this variant (Variation ID: 947932). Algorithms developed to predict the effect of missense changes on protein structure and function are either unavailable or do not agree on the potential impact of this missense change (SIFT: "Deleterious"; PolyPhen-2: "Probably Damaging"; Align-GVGD: "Class C0"). In summary, the available evidence is currently insufficient to determine the role of this variant in disease. Therefore, it has been classified as a Variant of Uncertain Significance.

NM_002485.5(NBN):c.2099C>T (p.Pro700Leu)

Gene: NBN (nibrin; minus strand). Cytogenetic location: 8q21.3.
Variant type: single nucleotide variant.
Coding change: c.2099C>T on transcript NM_002485.5 (MANE Select); coding-DNA position 2099, C replaced by T.
Protein change: p.Pro700Leu; replaces proline 700 with leucine.
Molecular consequence: missense variant.
Genome position (GRCh38, 1-based): chr8:89,943,338, G>A on the plus strand (C>T on the coding strand, the complement: NBN is on the minus strand). VCF-style: chr8-89943338-G-A. GRCh37 (hg19) VCF-style: chr8-90955566-G-A.
Other names: c.1853C>T, p.Pro618Leu (NM_001024688.3); short protein forms P618L, P700L.
Identifiers: ClinVar variation 947932 (VCV000947932.10), dbSNP rs1367898317, ClinGen allele CA371675738.
Genomic context (GRCh38, chr8:89,943,338, plus strand): 5'-TCTAGTTCTGTATTCTTTCGAGCATGATGAGCTATTAGATCTGATCCTCCAATGATGTGT[G>A]GAAGTTTTCCTGCTCCAGGATATGTGACCTATTGAATAATAAAAGTAGTACAGTAAATCA-3'
Protein context (NP_002476.2, residues 690-710): KVTYPGAGKL[Pro700Leu]HIIGGSDLIA